The following is an entry in ClinVar:

ClinVar aggregate classification (germline): Pathogenic (1 of 4 stars; one submission).

Submission:

Labcorp Genetics (formerly Invitae), Labcorp
Classification: Pathogenic. Last evaluated: 2023-02-20. Review status: criteria provided, single submitter. Criteria: Invitae Variant Classification Sherloc (09022015). Collection method: clinical testing. Allele origin: germline.
Comment: This variant is not present in population databases (gnomAD no frequency). This sequence change creates a premature translational stop signal (p.Lys406*) in the ABCA12 gene. It is expected to result in an absent or disrupted protein product. Loss-of-function variants in ABCA12 are known to be pathogenic (PMID: 20672373). This premature translational stop signal has been observed in individual(s) with congenital ichthyosis (PMID: 26475431). For these reasons, this variant has been classified as Pathogenic.

Literature cited by the submitters: PubMed 20672373; PubMed 26475431.

NM_173076.3(ABCA12):c.1216A>T (p.Lys406Ter)

Gene: ABCA12 (ATP binding cassette subfamily A member 12; minus strand). Cytogenetic location: 2q35.
Variant type: single nucleotide variant.
Coding change: c.1216A>T on transcript NM_173076.3 (MANE Select); coding-DNA position 1216, A replaced by T.
Protein change: p.Lys406Ter; replaces lysine 406 with a stop codon.
Molecular consequence: nonsense. On other transcripts: non-coding transcript variant (1).
Genome position (GRCh38, 1-based): chr2:215,025,744, T>A on the plus strand (A>T on the coding strand, the complement: ABCA12 is on the minus strand). VCF-style: chr2-215025744-T-A. GRCh37 (hg19) VCF-style: chr2-215890468-T-A.
Other names: c.262A>T, p.Lys88Ter (NM_015657.4); short protein forms K406*, K88*.
Identifiers: ClinVar variation 2734381 (VCV002734381.3), dbSNP rs2469357771, ClinGen allele CA350449093.